The following is an entry in ClinVar:

NM_003597.5(KLF11):c.508G>A (p.Ala170Thr)

Gene: KLF11 (KLF transcription factor 11; plus strand). Cytogenetic location: 2p25.1.
Variant type: single nucleotide variant.
Coding change: c.508G>A on transcript NM_003597.5 (MANE Select); coding-DNA position 508, G replaced by A.
Protein change: p.Ala170Thr; replaces alanine 170 with threonine.
Molecular consequence: missense variant.
Genome position (GRCh38, 1-based): chr2:10,047,845, G>A. VCF-style: chr2-10047845-G-A. GRCh37 (hg19) VCF-style: chr2-10187972-G-A.
Other names: c.457G>A, p.Ala153Thr (NM_001177716.2, NM_001177718.2); short protein forms A153T, A170T.
Identifiers: ClinVar variation 2772807 (VCV002772807.3), dbSNP rs2527709242, ClinGen allele CA345801281.

ClinVar aggregate classification (germline): Uncertain significance (1 of 4 stars; one submission).

Submission:

Labcorp Genetics (formerly Invitae), Labcorp
Classification: Uncertain significance. Last evaluated: 2023-10-29. Review status: criteria provided, single submitter. Criteria: Invitae Variant Classification Sherloc (09022015). Collection method: clinical testing. Allele origin: germline.
Comment: This sequence change replaces alanine, which is neutral and non-polar, with threonine, which is neutral and polar, at codon 170 of the KLF11 protein (p.Ala170Thr). This variant is not present in population databases (gnomAD no frequency). This variant has not been reported in the literature in individuals affected with KLF11-related conditions. An algorithm developed to predict the effect of missense changes on protein structure and function (PolyPhen-2) suggests that this variant is likely to be tolerated. In summary, the available evidence is currently insufficient to determine the role of this variant in disease. Therefore, it has been classified as a Variant of Uncertain Significance.